The following is an entry in ClinVar:

ClinVar aggregate classification (germline): Pathogenic (1 of 4 stars; one submission).

Conditions:
Developmental and epileptic encephalopathy. Identifiers: MedGen C5779964, MONDO:0100620.

Submission:

Labcorp Genetics (formerly Invitae), Labcorp
Classification: Pathogenic for Early infantile epileptic encephalopathy with suppression bursts. Last evaluated: 2019-11-07. Review status: criteria provided, single submitter. Criteria: Invitae Variant Classification Sherloc (09022015). Collection method: clinical testing. Allele origin: germline.
Comment: This variant is a gross deletion of the genomic region encompassing exons 13-26 of the SCN1A gene. The 5' boundary is likely confined to intron 12. The 3' end of this event is unknown as it extends through the termination codon beyond the assayed region for this gene and may encompass additional genes. While this deletion is not anticipated to result in nonsense mediated decay, it is expected to create a truncated protein product or disrupt mRNA translation. This variant has not been reported in the literature in individuals with SCN1A-related conditions. This variant disrupts the C-terminus of the SCN1A protein. Other variant(s) that disrupt this region (p.Arg1636*) have been determined to be pathogenic (PMID: 21868258, Invitae). This suggests that variants that disrupt this region of the protein are likely to be causative of disease. For these reasons, this variant has been classified as Pathogenic.

Literature cited by the submitters: PubMed 21868258.

NC_000002.12:g.(?_165991225)_(166041489_?)del

Gene: SCN1A (sodium voltage-gated channel alpha subunit 1; minus strand). Cytogenetic location: 2q24.3.
Variant type: Deletion.
Identifiers: ClinVar variation 832193 (VCV000832193.2).